The following is an entry in ClinVar:

ClinVar aggregate classification (germline): Pathogenic/Likely pathogenic. Review status: criteria provided, multiple submitters, no conflicts (2 of 4 stars). 2 submissions from 2 submitters: Pathogenic (1); Likely pathogenic (1). Last evaluated 2021-11-08.

Conditions:
Microcephaly, normal intelligence and immunodeficiency (NBS). Also called: IMMUNODEFICIENCY, MICROCEPHALY, AND CHROMOSOMAL INSTABILITY; SEEMANOVA SYNDROME II; Nijmegen breakage syndrome; Microcephaly with normal intelligence immunodeficiency and lymphoreticular malignancies; Nonsyndromal microcephaly autosomal recessive with normal intelligence; Seemanova syndrome 2. Identifiers: Orphanet 647, MedGen C0398791, MONDO:0009623, OMIM 251260.

gnomAD v4.1: 2 of 1,613,172 alleles (0.00012%); highest among the groups gnomAD compares: South Asian, 0.0011%; no homozygotes.

Submissions (2):

GeneDx
Classification: Likely pathogenic. Last evaluated: 2021-11-08. Review status: criteria provided, single submitter. Criteria: GeneDx Variant Classification Process June 2021. Collection method: clinical testing. Allele origin: germline. Affected: yes.
Comment: Nonsense variant predicted to result in protein truncation or nonsense mediated decay in a gene for which loss-of-function is a known mechanism of disease; Not observed at significant frequency in large population cohorts (Lek et al., 2016); Has not been previously published as pathogenic or benign to our knowledge

Labcorp Genetics (formerly Invitae), Labcorp
Classification: Pathogenic for Microcephaly, normal intelligence and immunodeficiency. Last evaluated: 2021-07-27. Review status: criteria provided, single submitter. Criteria: Invitae Variant Classification Sherloc (09022015). Collection method: clinical testing. Allele origin: germline.
Comment: For these reasons, this variant has been classified as Pathogenic. ClinVar contains an entry for this variant (Variation ID: 234630). This variant has not been reported in the literature in individuals affected with NBN-related conditions. This variant is not present in population databases (ExAC no frequency). This sequence change creates a premature translational stop signal (p.Trp2*) in the NBN gene. It is expected to result in an absent or disrupted protein product. Loss-of-function variants in NBN are known to be pathogenic (PMID: 9590180, 16415040).

Literature cited by the submitters: PubMed 9590180 (cited by Labcorp Genetics (formerly Invitae), Labcorp); PubMed 16415040 (cited by Labcorp Genetics (formerly Invitae), Labcorp).

NM_002485.5(NBN):c.6G>A (p.Trp2Ter)

Gene: NBN (nibrin; minus strand). Cytogenetic location: 8q21.3.
Variant type: single nucleotide variant.
Coding change: c.6G>A on transcript NM_002485.5 (MANE Select); coding-DNA position 6, G replaced by A.
Protein change: p.Trp2Ter; replaces tryptophan 2 with a stop codon.
Molecular consequence: nonsense. On other transcripts: 5 prime UTR variant (1).
Genome position (GRCh38, 1-based): chr8:89,984,556, C>T on the plus strand (G>A on the coding strand, the complement: NBN is on the minus strand). VCF-style: chr8-89984556-C-T. GRCh37 (hg19) VCF-style: chr8-90996784-C-T.
Other names: c.-291G>A (NM_001024688.3); short protein forms W2*.
Identifiers: ClinVar variation 234630 (VCV000234630.9), dbSNP rs876661130, ClinGen allele CA10577371.
Genomic context (GRCh38, chr8:89,984,556, plus strand): 5'-AGGCCCCGAGGCTTCCCTTCTGCCCTTACCTCCTGCCGGGCCCGCGGCGGGCAGCAGTTT[C>T]CACATCGGTCCGGCTCCTCAGGGCTGGGGCCGACGTGCAACCGCGTAACCGGGGCTGCTA-3'